The following is an entry in ClinVar:

NM_015268.4(DNAJC13):c.6509T>G (p.Leu2170Trp)

Gene: DNAJC13 (DnaJ heat shock protein family (Hsp40) member C13; plus strand). Cytogenetic location: 3q22.1.
Variant type: single nucleotide variant.
Coding change: c.6509T>G on transcript NM_015268.4 (MANE Select); coding-DNA position 6509, T replaced by G.
Protein change: p.Leu2170Trp; replaces leucine 2170 with tryptophan.
Molecular consequence: missense variant.
Genome position (GRCh38, 1-based): chr3:132,528,316, T>G. VCF-style: chr3-132528316-T-G. GRCh37 (hg19) VCF-style: chr3-132247160-T-G.
Other names: p.Leu2170Trp; c.6524T>G, p.Leu2175Trp (NM_001329126.2); c.6509T>G (NM_015268.3); short protein forms L2170W, L2175W.
Identifiers: ClinVar variation 2654159 (VCV002654159.27), dbSNP rs140537885, ClinGen allele CA2620150.

ClinVar aggregate classification (germline): Benign/Likely benign. Review status: criteria provided, multiple submitters, no conflicts (2 of 4 stars). 4 submissions from 4 submitters: Benign (2); Likely benign (1). 1 of the submissions does not count toward it. Last evaluated 2024-11-20.

Conditions:
DNAJC13-related disorder. Also called: DNAJC13-related condition.

Allele frequency attached by ClinVar (database versions not stated): ExAC 0.00232; TOPMed 0.00254; gnomAD 0.00276; ESP Exome Variant Server 0.00284; gnomAD exomes 0.00424.
gnomAD v4.1: 6,672 of 1,614,158 alleles (0.41%); highest among the groups gnomAD compares: Non-Finnish European, 0.51%; 23 homozygotes.

Submissions (4):

Blueprint Genetics
Classification: Likely benign. Last evaluated: 2024-11-20. Review status: criteria provided, single submitter. Criteria: ACMG Guidelines, 2015. Collection method: clinical testing. Allele origin: germline.

CeGaT Center for Human Genetics Tuebingen
Classification: Benign. Last evaluated: 2024-04-01. Review status: criteria provided, single submitter. Criteria: CeGaT Center For Human Genetics Tuebingen Variant Classification Criteria Version 2. Collection method: clinical testing. Allele origin: germline. Affected: yes. Observed: 2 variant alleles.
Comment: DNAJC13: BS1, BS2

Mayo Clinic Laboratories, Mayo Clinic
Classification: Benign. Last evaluated: 2024-01-31. Review status: criteria provided, single submitter. Criteria: ACMG Guidelines, 2015. Collection method: clinical testing. Allele origin: germline. Observed: 2 variant alleles.
Comment: BS1, BS2

PreventionGenetics, part of Exact Sciences
Classification: Likely benign for DNAJC13-related condition. Last evaluated: 2022-03-09. Review status: no assertion criteria provided. Collection method: clinical testing. Allele origin: germline. Not counted in ClinVar's aggregate classification.
Comment: This variant is classified as likely benign based on ACMG/AMP sequence variant interpretation guidelines (Richards et al. 2015 PMID: 25741868, with internal and published modifications).

Literature cited by the submitters: PubMed 25393719 (cited by Mayo Clinic Laboratories, Mayo Clinic); PubMed 25466404 (cited by Mayo Clinic Laboratories, Mayo Clinic); PubMed 27236598 (cited by Mayo Clinic Laboratories, Mayo Clinic); PubMed 31996268 (cited by Mayo Clinic Laboratories, Mayo Clinic).